The following is an entry in ClinVar:

NM_001164277.2(SLC37A4):c.29G>A (p.Arg10His)

Gene: SLC37A4 (solute carrier family 37 member 4; minus strand). Cytogenetic location: 11q23.3.
Variant type: single nucleotide variant.
Coding change: c.29G>A on transcript NM_001164277.2 (MANE Select); coding-DNA position 29, G replaced by A.
Protein change: p.Arg10His; replaces arginine 10 with histidine.
Molecular consequence: missense variant. On other transcripts: intron variant (1).
Genome position (GRCh38, 1-based): chr11:119,029,341, C>T on the plus strand (G>A on the coding strand, the complement: SLC37A4 is on the minus strand). VCF-style: chr11-119029341-C-T. GRCh37 (hg19) VCF-style: chr11-118900051-C-T.
Other names: p.Arg10His; c.29G>A, p.Arg10His (NM_001164278.2, NM_001164280.2, NM_001467.6); c.-172+51G>A (NM_001164279.2); short protein forms R10H.
Identifiers: ClinVar variation 970320 (VCV000970320.11), dbSNP rs782500443, ClinGen allele CA6311928.
Genomic context (GRCh38, chr11:119,029,341, plus strand): 5'-GTCTTGCGATTGAAGTAATACAGGCTGTAGCCCCCAAACATGGCTGAGAAGATCACAGTG[C>T]GATAATAGCCATAGCCCTGGGCTGCCATGGTAGAAAAGAGCAGGCCCTACCAGCCAAGAC-3'
Protein context (NP_001157749.1, residues 1-20): MAAQGYGYY[Arg10His]TVIFSAMFGG

ClinVar aggregate classification (germline): Uncertain significance. Review status: criteria provided, multiple submitters, no conflicts (2 of 4 stars). 7 submissions from 7 submitters: Uncertain significance (6). 1 of the submissions does not count toward it. Last evaluated 2026-04-29.

Conditions:
Glucose-6-phosphate transport defect (GSD1B). Also called: GSD Ib; Glycogen Storage Disease Type Ib. Identifiers: Orphanet 364, Orphanet 79259, MedGen C0268146, MONDO:0009288, OMIM 232220.
Inborn genetic diseases. Identifiers: MedGen C0950123, MeSH D030342.
Phosphate transport defect (GSD1C). Also called: GLYCOGEN STORAGE DISEASE Ic; GSD Ic. Identifiers: Orphanet 364, Orphanet 79259, MedGen C0342749, OMIM 232240.
Congenital disorder of glycosylation, type IIw. Identifiers: MedGen C5561986, MONDO:0030437, OMIM 619525.
SLC37A4-related disorder. Also called: SLC37A4-related condition.

Allele frequency attached by ClinVar (database versions not stated): gnomAD 0.00003 and 0.00004; TOPMed 0.00003; ExAC 0.00005; gnomAD exomes 0.00005 and 0.00007.

Submissions (7):

PreventionGenetics, part of Exact Sciences
Classification: Uncertain significance for SLC37A4-related condition. Last evaluated: 2026-04-29. Review status: criteria provided, single submitter. Criteria: ACMG Guidelines, 2015. Collection method: clinical testing. Allele origin: germline.
Comment: The SLC37A4 c.29G>A variant is predicted to result in the amino acid substitution p.Arg10His. To our knowledge, this variant has not been reported in the literature. This variant is reported in 0.013% of alleles in individuals of European (Non-Finnish) descent in gnomAD. At this time, the clinical significance of this variant is uncertain due to the absence of conclusive functional and genetic evidence.

Ambry Genetics
Classification: Uncertain significance for Inborn genetic diseases. Last evaluated: 2025-10-10. Review status: criteria provided, single submitter. Criteria: Ambry Variant Classification Scheme 2023. Collection method: clinical testing. Allele origin: germline.
Comment: The p.R10H variant (also known as c.29G>A), located in coding exon 1 of the SLC37A4 gene, results from a G to A substitution at nucleotide position 29. The arginine at codon 10 is replaced by histidine, an amino acid with highly similar properties. This amino acid position is conserved. In addition, this alteration is predicted to be deleterious by in silico analysis. Since supporting evidence is limited at this time, the clinical significance of this alteration remains unclear.

Mayo Clinic Laboratories, Mayo Clinic
Classification: Uncertain significance. Last evaluated: 2025-08-01. Review status: criteria provided, single submitter. Criteria: ACMG Guidelines, 2015. Collection method: clinical testing. Allele origin: germline. Observed: 1 variant allele.

Labcorp Genetics (formerly Invitae), Labcorp
Classification: Uncertain significance for Glucose-6-phosphate transport defect. Last evaluated: 2024-11-19. Review status: criteria provided, single submitter. Criteria: Invitae Variant Classification Sherloc (09022015). Collection method: clinical testing. Allele origin: germline.
Comment: This sequence change replaces arginine, which is basic and polar, with histidine, which is basic and polar, at codon 10 of the SLC37A4 protein (p.Arg10His). This variant is present in population databases (rs782500443, gnomAD 0.01%), including at least one homozygous and/or hemizygous individual. This variant has not been reported in the literature in individuals affected with SLC37A4-related conditions. ClinVar contains an entry for this variant (Variation ID: 970320). Invitae Evidence Modeling of protein sequence and biophysical properties (such as structural, functional, and spatial information, amino acid conservation, physicochemical variation, residue mobility, and thermodynamic stability) has been performed for this missense variant. However, the output from this modeling did not meet the statistical confidence thresholds required to predict the impact of this variant on SLC37A4 protein function. In summary, the available evidence is currently insufficient to determine the role of this variant in disease. Therefore, it has been classified as a Variant of Uncertain Significance.

Blueprint Genetics
Classification: Uncertain significance. Last evaluated: 2024-04-24. Review status: criteria provided, single submitter. Criteria: ACMG Guidelines, 2015. Collection method: clinical testing. Allele origin: germline.

Fulgent Genetics
Classification: Uncertain significance for Glucose-6-phosphate transport defect; Phosphate transport defect; Congenital disorder of glycosylation, type IIw. Last evaluated: 2022-03-05. Review status: criteria provided, single submitter. Criteria: ACMG Guidelines, 2015. Collection method: clinical testing. Allele origin: unknown.

Natera, Inc.
Classification: Uncertain significance for Glycogen storage disease type Ib. Last evaluated: 2020-04-16. Review status: no assertion criteria provided. Collection method: clinical testing. Allele origin: germline. Not counted in ClinVar's aggregate classification.